The following is an entry in ClinVar:

NM_000257.4(MYH7):c.5633A>G (p.Tyr1878Cys)

Gene: MYH7 (myosin heavy chain 7; minus strand). Cytogenetic location: 14q11.2.
Variant type: single nucleotide variant.
Coding change: c.5633A>G on transcript NM_000257.4 (MANE Select); coding-DNA position 5633, A replaced by G.
Protein change: p.Tyr1878Cys; replaces tyrosine 1878 with cysteine.
Molecular consequence: missense variant.
Genome position (GRCh38, 1-based): chr14:23,414,029, T>C on the plus strand (A>G on the coding strand, the complement: MYH7 is on the minus strand). VCF-style: chr14-23414029-T-C. GRCh37 (hg19) VCF-style: chr14-23883238-T-C.
Other names: c.5633A>G, p.Tyr1878Cys (NM_001407004.1); short protein forms Y1878C.
Identifiers: ClinVar variation 3387276 (VCV003387276.1).

ClinVar aggregate classification (germline): Uncertain significance (1 of 4 stars; one submission).

Conditions:
Cardiomyopathy (CMYO). Also called: Cardiomyopathies. Identifiers: Orphanet 167848, MedGen C0878544, MONDO:0004994, HP:0001638. Inheritance: Various modes of inheritance.

Submission:

All of Us Research Program, National Institutes of Health
Classification: Uncertain significance for Cardiomyopathy. Last evaluated: 2024-02-22. Review status: criteria provided, single submitter. Criteria: ACMG Guidelines, 2015. Collection method: clinical testing. Allele origin: germline. Inheritance: Autosomal dominant inheritance. Observed: 1 variant allele, 1 heterozygote.
Comment: This missense variant replaces tyrosine with cysteine at codon 1878 of the MYH7 protein. Computational prediction suggests that this variant may have deleterious impact on protein structure and function (internally defined REVEL score threshold >= 0.7, PMID: 27666373). To our knowledge, functional studies have not been reported for this variant. This variant has not been reported in individuals affected with MYH7-related disorders in the literature. This variant has not been identified in the general population by the Genome Aggregation Database (gnomAD). The available evidence is insufficient to determine the role of this variant in disease conclusively. Therefore, this variant is classified as a Variant of Uncertain Significance.

This study involves interpretation of variants in research participants for the purpose of population health screening. Participant phenotype was not available at the time of variant classification. Additional details can be found in publication PMID: 35346344, PMCID: PMC8962531